The following is an entry in ClinVar:

NM_001009944.3(PKD1):c.1588_1592del (p.Cys530fs)

Gene: PKD1 (polycystin 1, transient receptor potential channel interacting; minus strand). Cytogenetic location: 16p13.3.
Variant type: Deletion.
Coding change: c.1588_1592del on transcript NM_001009944.3 (MANE Select); coding-DNA positions 1588 to 1592, 5 bases deleted (TGCGA; older notation c.1588_1592delTGCGA).
Protein change: p.Cys530fs; shifts the reading frame from cysteine 530.
Molecular consequence: frameshift variant.
Genome position (GRCh38, 1-based): chr16:2,116,847-2,116,851, TCGCA deleted on the plus strand (TGCGA on the coding strand, the reverse complement: PKD1 is on the minus strand). VCF-style (leftmost placement, unchanged base first): chr16-2116846-CTCGCA-C. GRCh37 (hg19) VCF-style: chr16-2166847-CTCGCA-C.
Other names: c.1588_1592del, p.Cys530fs (NM_000296.4); short protein forms C530fs.
Identifiers: ClinVar variation 3236172 (VCV003236172.1), dbSNP rs2544871731, ClinGen allele CA2825002376.
Genomic context (GRCh38, chr16:2,116,846, plus strand): 5'-CCTAACCACAGCCAGCGTCTCAGGCCCCTGCCTGGCCCCCCGCACACCTCCGGGCTGCAG[CTCGCA>C]GACGTAGCTGTGCGGCGCTGAGCACAGGTCGGTGTTACACCACCCGGTGGGCCCGAGCCG-3'

ClinVar aggregate classification (germline): Pathogenic (1 of 4 stars; one submission).

Conditions:
Polycystic kidney disease, adult type (PKD1). Also called: Polycystic Kidney Disease 1, Autosomal Dominant; Polycystic kidney disease 1; Polycystic kidney disease 1, severe; Polycystic Kidney, Autosomal Dominant; POLYCYSTIC KIDNEY DISEASE 1 WITH OR WITHOUT POLYCYSTIC LIVER DISEASE; POLYCYSTIC KIDNEY DISEASE, ADULT, TYPE I. Identifiers: MedGen C3149841, MONDO:0008263, OMIM 173900.

Submission:

MVZ Medizinische Genetik Mainz
Classification: Pathogenic for Polycystic kidney disease, adult type. Last evaluated: 2022-08-12. Review status: criteria provided, single submitter. Criteria: UK Practice Guidelines For Variant Classification V4 01 2020. Collection method: clinical testing. Allele origin: germline. Inheritance: Autosomal dominant inheritance. Affected: yes. Observed: 1 variant allele.
Comment: ACMG Criteria: PVS1, PM2_SUP, PP4